The following is an entry in ClinVar:

NM_000276.4(OCRL):c.120-17G>A

Gene: OCRL (OCRL inositol polyphosphate-5-phosphatase; plus strand). Cytogenetic location: Xq26.1.
Variant type: single nucleotide variant.
Coding change: c.120-17G>A on transcript NM_000276.4 (MANE Select); 17 bases into the intron before coding-DNA position 120, G replaced by A.
Molecular consequence: intron variant.
Genome position (GRCh38, 1-based): chrX:129,544,941, G>A. VCF-style: chrX-129544941-G-A. GRCh37 (hg19) VCF-style: chrX-128678918-G-A.
Other names: c.123-17G>A (NM_001318784.2); c.120-17G>A (NM_001587.4).
Identifiers: ClinVar variation 2637796 (VCV002637796.4), dbSNP rs372887076, ClinGen allele CA335077970.

ClinVar aggregate classification (germline): Likely benign. Review status: criteria provided, multiple submitters, no conflicts (2 of 4 stars). 2 submissions from 2 submitters: Likely benign (2). Last evaluated 2025-07-30.

Conditions:
Lowe syndrome (OCRL). Also called: LOWE OCULOCEREBRORENAL SYNDROME; PHOSPHATIDYLINOSITOL 4,5-BISPHOSPHATE 5-PHOSPHATASE DEFICIENCY; Oculocerebrorenal Syndrome. Identifiers: Orphanet 534, MedGen C0028860, MONDO:0010645, OMIM 309000.

Allele frequency attached by ClinVar (database versions not stated): gnomAD exomes 0.00001; gnomAD 0.00004; TOPMed 0.00004; ESP Exome Variant Server 0.00009.
gnomAD v4.1: 14 of 1,068,051 alleles (0.0013%); highest among the groups gnomAD compares: Admixed American, 0.0066%; no homozygotes.

Submissions (2):

Labcorp Genetics (formerly Invitae), Labcorp
Classification: Likely benign for Lowe syndrome. Last evaluated: 2025-07-30. Review status: criteria provided, single submitter. Criteria: Invitae Variant Classification Sherloc (09022015). Collection method: clinical testing. Allele origin: germline.

Women's Health and Genetics/Laboratory Corporation of America, LabCorp
Classification: Likely benign. Last evaluated: 2023-10-18. Review status: criteria provided, single submitter. Criteria: LabCorp Variant Classification Summary - May 2015. Collection method: clinical testing. Allele origin: germline.
Comment: Variant summary: OCRL c.120-17G>A alters a non-conserved nucleotide located at a position not widely known to affect splicing. Consensus agreement among computation tools predict no significant impact on normal splicing. However, these predictions have yet to be confirmed by functional studies. The variant allele was found at a frequency of 5.5e-06 in 182312 control chromosomes (gnomAD). The available data on variant occurrences in the general population are insufficient to allow any conclusion about variant significance. To our knowledge, no occurrence of c.120-17G>A in individuals affected with Dent Disease and no experimental evidence demonstrating its impact on protein function have been reported. No submitters have cited clinical-significance assessments for this variant to ClinVar after 2014. Based on the evidence outlined above, the variant was classified as likely benign.